The following is an entry in ClinVar:

NM_001127222.2(CACNA1A):c.2957C>T (p.Ala986Val)

Gene: CACNA1A (calcium voltage-gated channel subunit alpha1 A; minus strand). Cytogenetic location: 19p13.13.
Variant type: single nucleotide variant.
Coding change: c.2957C>T on transcript NM_001127222.2 (MANE Select); coding-DNA position 2957, C replaced by T.
Protein change: p.Ala986Val; replaces alanine 986 with valine.
Molecular consequence: missense variant.
Genome position (GRCh38, 1-based): chr19:13,298,676, G>A on the plus strand (C>T on the coding strand, the complement: CACNA1A is on the minus strand). VCF-style: chr19-13298676-G-A. GRCh37 (hg19) VCF-style: chr19-13409490-G-A.
Other names: c.2969C>T, p.Ala990Val (NM_000068.4, NM_023035.3); c.2960C>T, p.Ala987Val (NM_001127221.2, NM_001174080.2); short protein forms A990V, A987V, A986V.
Identifiers: ClinVar variation 1424877 (VCV001424877.6), dbSNP rs2144953042, ClinGen allele CA404342367.
Genomic context (GRCh38, chr19:13,298,676, plus strand): 5'-CGGTGCCTTCTCCTGCGCTCGCCCCCGTCGGGGCCCTCGCCCTCGCCCTCGCCGCCCCGG[G>A]CCGGCCGGCTGCCCTCGCGGTGCCGCGCCCTCCGCTCCGCCTTGTCCTCCGGACCCTCCT-3'
Protein context (NP_001120694.1, residues 976-996): RARHREGSRP[Ala986Val]RGGEGEGEGP

ClinVar aggregate classification (germline): Uncertain significance (1 of 4 stars; one submission).

Conditions:
Episodic ataxia type 2 (EA2). Also called: ATAXIA, EPISODIC, WITH NYSTAGMUS; ATAXIA, FAMILIAL PAROXYSMAL; CEREBELLAR ATAXIA, PAROXYSMAL, ACETAZOLAMIDE-RESPONSIVE; CEREBELLOPATHY, HEREDITARY PAROXYSMAL; EPISODIC ATAXIA, NYSTAGMUS-ASSOCIATED; ACETAZOLAMIDE-RESPONSIVE HEREDITARY PAROXYSMAL CEREBELLAR ATAXIA. Identifiers: Orphanet 97, MedGen C1720416, MONDO:0007163, OMIM 108500.
Developmental and epileptic encephalopathy, 42 (DEE42A). Also called: Epileptic encephalopathy, early infantile, 42; DEVELOPMENTAL AND EPILEPTIC ENCEPHALOPATHY 42A; EPILEPTIC ENCEPHALOPATHY, EARLY INFANTILE, 42A. Identifiers: MedGen C4310716, MONDO:0014917, OMIM 617106.

Allele frequency attached by ClinVar (database versions not stated): gnomAD exomes below 0.00001.
gnomAD v4.1: 1 of 1,477,312 alleles (0.000068%); highest among the groups gnomAD compares: Admixed American, 0.0026%; no homozygotes.

Submission:

Labcorp Genetics (formerly Invitae), Labcorp
Classification: Uncertain significance for Developmental and epileptic encephalopathy, 42; Episodic ataxia type 2. Last evaluated: 2022-08-23. Review status: criteria provided, single submitter. Criteria: Invitae Variant Classification Sherloc (09022015). Collection method: clinical testing. Allele origin: germline.
Comment: In summary, the available evidence is currently insufficient to determine the role of this variant in disease. Therefore, it has been classified as a Variant of Uncertain Significance. Algorithms developed to predict the effect of sequence changes on RNA splicing suggest that this variant may create or strengthen a splice site. Advanced modeling of protein sequence and biophysical properties (such as structural, functional, and spatial information, amino acid conservation, physicochemical variation, residue mobility, and thermodynamic stability) performed at Invitae indicates that this missense variant is not expected to disrupt CACNA1A protein function. ClinVar contains an entry for this variant (Variation ID: 1424877). This variant has not been reported in the literature in individuals affected with CACNA1A-related conditions. This variant is not present in population databases (gnomAD no frequency). This sequence change replaces alanine, which is neutral and non-polar, with valine, which is neutral and non-polar, at codon 987 of the CACNA1A protein (p.Ala987Val).